The following is an entry in ClinVar:

NM_183235.3(RAB27A):c.260C>T (p.Ala87Val)

Gene: RAB27A (RAB27A, member RAS oncogene family; minus strand). Cytogenetic location: 15q21.3.
Variant type: single nucleotide variant.
Coding change: c.260C>T on transcript NM_183235.3 (MANE Select); coding-DNA position 260, C replaced by T.
Protein change: p.Ala87Val; replaces alanine 87 with valine.
Molecular consequence: missense variant.
Genome position (GRCh38, 1-based): chr15:55,228,692, G>A on the plus strand (C>T on the coding strand, the complement: RAB27A is on the minus strand). VCF-style: chr15-55228692-G-A. GRCh37 (hg19) VCF-style: chr15-55520890-G-A.
Other names: c.260C>T, p.Ala87Val (NM_004580.5, NM_183234.3, NM_183236.3); short protein forms A87V.
Identifiers: ClinVar variation 1348201 (VCV001348201.11), dbSNP rs201697259, ClinGen allele CA7573628.

ClinVar aggregate classification (germline): Conflicting classifications of pathogenicity. Review status: criteria provided, conflicting classifications (1 of 4 stars). 2 submissions from 2 submitters: Likely pathogenic (1); Uncertain significance (1). Last evaluated 2025-12-26.

Conditions:
Autoinflammatory syndrome. Identifiers: Orphanet 93665, MedGen C3890737, MONDO:0019751.
Griscelli syndrome type 2 (GS2). Also called: GRISCELLI SYNDROME WITH HEMOPHAGOCYTIC SYNDROME; PAID SYNDROME; PARTIAL ALBINISM AND IMMUNODEFICIENCY SYNDROME. Identifiers: Orphanet 381, Orphanet 79477, MedGen C1868679, MONDO:0011872, OMIM 607624.

Allele frequency attached by ClinVar (database versions not stated): gnomAD exomes below 0.00001; ExAC 0.00001; gnomAD 0.00001; TOPMed 0.00001; 1000 Genomes Project 30x 0.00016; 1000 Genomes Project 0.00020.
gnomAD v4.1: 29 of 1,613,346 alleles (0.0018%); highest among the groups gnomAD compares: Non-Finnish European, 0.0025%; no homozygotes.

Submissions (2):

Labcorp Genetics (formerly Invitae), Labcorp
Classification: Likely pathogenic for Griscelli syndrome type 2. Last evaluated: 2025-12-26. Review status: criteria provided, single submitter. Criteria: Invitae Variant Classification Sherloc (09022015). Collection method: clinical testing. Allele origin: germline.
Comment: This sequence change replaces alanine, which is neutral and non-polar, with valine, which is neutral and non-polar, at codon 87 of the RAB27A protein (p.Ala87Val). This variant is not present in population databases (gnomAD no frequency). This variant has not been reported in the literature in individuals affected with RAB27A-related conditions. ClinVar contains an entry for this variant (Variation ID: 1348201). Invitae Evidence Modeling of protein sequence and biophysical properties (such as structural, functional, and spatial information, amino acid conservation, physicochemical variation, residue mobility, and thermodynamic stability) indicates that this missense variant is expected to disrupt RAB27A protein function with a positive predictive value of 95%. This variant disrupts the p.Ala87 amino acid residue in RAB27A. Other variant(s) that disrupt this residue have been determined to be pathogenic (PMID: 16278825, 25544030, 26880764). This suggests that this residue is clinically significant, and that variants that disrupt this residue are likely to be disease-causing. In summary, the currently available evidence indicates that the variant is pathogenic, but additional data are needed to prove that conclusively. Therefore, this variant has been classified as Likely Pathogenic.

Genome Diagnostics Laboratory, The Hospital for Sick Children
Classification: Uncertain significance for Autoinflammatory syndrome. Last evaluated: 2018-12-01. Review status: criteria provided, single submitter. Criteria: ACMG Guidelines, 2015. Collection method: clinical testing. Allele origin: germline. Affected: yes.

Literature cited by the submitters: PubMed 16278825 (cited by Labcorp Genetics (formerly Invitae), Labcorp); PubMed 25544030 (cited by Labcorp Genetics (formerly Invitae), Labcorp); PubMed 26880764 (cited by Labcorp Genetics (formerly Invitae), Labcorp).